The following is an entry in ClinVar:

ClinVar aggregate classification (germline): Uncertain significance (1 of 4 stars; one submission).

Submission:

GeneDx
Classification: Uncertain significance. Last evaluated: 2023-10-19. Review status: criteria provided, single submitter. Criteria: GeneDx Variant Classification Process June 2021. Collection method: clinical testing. Allele origin: germline. Affected: yes.
Comment: Not observed at significant frequency in large population cohorts (gnomAD); In silico analysis supports that this missense variant has a deleterious effect on protein structure/function; Has not been previously published as pathogenic or benign to our knowledge

NM_002317.7(LOX):c.723G>C (p.Glu241Asp)

Genes: LOX (lysyl oxidase; minus strand), SRFBP1 (serum response factor binding protein 1; plus strand). Cytogenetic location: 5q23.1.
Variant type: single nucleotide variant.
Coding change: c.723G>C on transcript NM_002317.7 (MANE Select); coding-DNA position 723, G replaced by C.
Protein change: p.Glu241Asp; replaces glutamic acid 241 with aspartic acid.
Molecular consequence: missense variant. On other transcripts: intron variant (1).
Genome position (GRCh38, 1-based): chr5:122,076,910, C>G on the plus strand (G>C on the coding strand, the complement: LOX is on the minus strand). VCF-style: chr5-122076910-C-G. GRCh37 (hg19) VCF-style: chr5-121412605-C-G.
Other names: c.33G>C, p.Glu11Asp (NM_001178102.2); c.-152+182G>C (NM_001317073.1); short protein forms E11D, E241D.
Identifiers: ClinVar variation 3366270 (VCV003366270.1).